The following is an entry in ClinVar:

ClinVar aggregate classification (germline): Pathogenic (1 of 4 stars; one submission).

Allele frequency attached by ClinVar (database versions not stated): TOPMed below 0.00001; gnomAD exomes 0.00001.
gnomAD v4.1: 3 of 1,613,120 alleles (0.00019%); highest among the groups gnomAD compares: Non-Finnish European, 0.00025%; no homozygotes.

Submission:

Labcorp Genetics (formerly Invitae), Labcorp
Classification: Pathogenic. Last evaluated: 2024-12-16. Review status: criteria provided, single submitter. Criteria: Invitae Variant Classification Sherloc (09022015). Collection method: clinical testing. Allele origin: germline.
Comment: This sequence change creates a premature translational stop signal (p.Lys425*) in the ALOX12B gene. It is expected to result in an absent or disrupted protein product. Loss-of-function variants in ALOX12B are known to be pathogenic (PMID: 16116617, 23621129, 31046801). This variant is not present in population databases (gnomAD no frequency). This variant has not been reported in the literature in individuals affected with ALOX12B-related conditions. ClinVar contains an entry for this variant (Variation ID: 2052334). For these reasons, this variant has been classified as Pathogenic.

Literature cited by the submitters: PubMed 16116617; PubMed 23621129; PubMed 31046801.

NM_001139.3(ALOX12B):c.1273A>T (p.Lys425Ter)

Gene: ALOX12B (arachidonate 12-lipoxygenase, 12R type; minus strand). Cytogenetic location: 17p13.1.
Variant type: single nucleotide variant.
Coding change: c.1273A>T on transcript NM_001139.3 (MANE Select); coding-DNA position 1273, A replaced by T.
Protein change: p.Lys425Ter; replaces lysine 425 with a stop codon.
Molecular consequence: nonsense.
Genome position (GRCh38, 1-based): chr17:8,076,992, T>A on the plus strand (A>T on the coding strand, the complement: ALOX12B is on the minus strand). VCF-style: chr17-8076992-T-A. GRCh37 (hg19) VCF-style: chr17-7980310-T-A.
Other names: short protein forms K425*.
Identifiers: ClinVar variation 2052334 (VCV002052334.4), dbSNP rs1399602547, ClinGen allele CA397991795.